The following is an entry in ClinVar:

NM_007317.3(KIF22):c.947C>T (p.Pro316Leu)

Gene: KIF22 (kinesin family member 22; plus strand). Cytogenetic location: 16p11.2.
Variant type: single nucleotide variant.
Coding change: c.947C>T on transcript NM_007317.3 (MANE Select); coding-DNA position 947, C replaced by T.
Protein change: p.Pro316Leu; replaces proline 316 with leucine.
Molecular consequence: missense variant.
Genome position (GRCh38, 1-based): chr16:29,799,451, C>T. VCF-style: chr16-29799451-C-T. GRCh37 (hg19) VCF-style: chr16-29810772-C-T.
Other names: c.743C>T, p.Pro248Leu (NM_001256269.2, NM_001256270.1); short protein forms P248L, P316L.
Identifiers: ClinVar variation 3338892 (VCV003338892.1).
Genomic context (GRCh38, chr16:29,799,451, plus strand): 5'-CCATCAACACCTCCCTGTTTGTCCTGGGCAAAGTGGTAGATGCGCTGAATCAGGGCCTCC[C>T]TCGTGTACCTTATCGGGACAGCAAGCTCACTCGCCTATTGCAGGTCAGGCCCACCTGTCT-3'
Protein context (NP_015556.1, residues 306-326): KVVDALNQGL[Pro316Leu]RVPYRDSKLT

ClinVar aggregate classification (germline): Uncertain significance (1 of 4 stars; one submission).

Submission:

Women's Health and Genetics/Laboratory Corporation of America, LabCorp
Classification: Uncertain significance. Last evaluated: 2024-07-31. Review status: criteria provided, single submitter. Criteria: LabCorp Variant Classification Summary - May 2015. Collection method: clinical testing. Allele origin: germline.
Comment: Variant summary: KIF22 c.947C>T (p.Pro316Leu) results in a non-conservative amino acid change located in the Kinesin motor domain (IPR001752) of the encoded protein sequence. Three of five in-silico tools predict a damaging effect of the variant on protein function. The variant was absent in 251066 control chromosomes. The available data on variant occurrences in the general population are insufficient to allow any conclusion about variant significance. To our knowledge, no occurrence of c.947C>T in individuals affected with Spondyloepimetaphyseal Dysplasia With Multiple Dislocations and no experimental evidence demonstrating its impact on protein function have been reported. No submitters have cited clinical-significance assessments for this variant to ClinVar. Based on the evidence outlined above, the variant was classified as uncertain significance.